The following is an entry in ClinVar:

ClinVar aggregate classification (germline): Uncertain significance. Review status: criteria provided, multiple submitters, no conflicts (2 of 4 stars). 2 submissions from 2 submitters: Uncertain significance (2). Last evaluated 2026-09-11.

Conditions:
Cardiovascular phenotype. Identifiers: MedGen CN230736.
Hereditary hemorrhagic telangiectasia (HHT). Also called: ORW DISEASE; Osler Weber Rendu syndrome; OSLER-RENDU-WEBER DISEASE; Osler hemorrhagic telangiectasia syndrome. Identifiers: Orphanet 774, MedGen C0039445, MONDO:0019180. Disease mechanism: loss of function.

Allele frequency attached by ClinVar (database versions not stated): ExAC 0.00001; gnomAD 0.00001; 1000 Genomes Project 30x 0.00031; 1000 Genomes Project 0.00020.
gnomAD v4.1: 1 of 1,613,974 alleles (0.000062%); highest among the groups gnomAD compares: Admixed American, 0.0017%; no homozygotes.

Submissions (2):

Ambry Genetics
Classification: Uncertain significance for Cardiovascular phenotype. Last evaluated: 2026-09-11. Review status: criteria provided, single submitter. Criteria: Ambry Variant Classification Scheme 2023. Collection method: clinical testing. Allele origin: germline.
Comment: The p.A367G variant (also known as c.1100C>G), located in coding exon 8 of the ENG gene, results from a C to G substitution at nucleotide position 1100. The alanine at codon 367 is replaced by glycine, an amino acid with similar properties. This amino acid position is conserved. In addition, this alteration is predicted to be tolerated by in silico analysis. Based on the available evidence, the clinical significance of this variant remains unclear.

Labcorp Genetics (formerly Invitae), Labcorp
Classification: Uncertain significance for Hereditary hemorrhagic telangiectasia. Last evaluated: 2022-01-20. Review status: criteria provided, single submitter. Criteria: Invitae Variant Classification Sherloc (09022015). Collection method: clinical testing. Allele origin: germline.
Comment: In summary, the available evidence is currently insufficient to determine the role of this variant in disease. Therefore, it has been classified as a Variant of Uncertain Significance. Advanced modeling of protein sequence and biophysical properties (such as structural, functional, and spatial information, amino acid conservation, physicochemical variation, residue mobility, and thermodynamic stability) performed at Invitae indicates that this missense variant is not expected to disrupt ENG protein function. This sequence change replaces alanine, which is neutral and non-polar, with glycine, which is neutral and non-polar, at codon 367 of the ENG protein (p.Ala367Gly). This variant is present in population databases (rs199531650, gnomAD 0.003%). This variant has not been reported in the literature in individuals affected with ENG-related conditions.

NM_001114753.3(ENG):c.1100C>G (p.Ala367Gly)

Gene: ENG (endoglin; minus strand). Cytogenetic location: 9q34.11.
Variant type: single nucleotide variant.
Coding change: c.1100C>G on transcript NM_001114753.3 (MANE Select); coding-DNA position 1100, C replaced by G.
Protein change: p.Ala367Gly; replaces alanine 367 with glycine.
Molecular consequence: missense variant.
Genome position (GRCh38, 1-based): chr9:127,824,338, G>C on the plus strand (C>G on the coding strand, the complement: ENG is on the minus strand). VCF-style: chr9-127824338-G-C. GRCh37 (hg19) VCF-style: chr9-130586617-G-C.
Other names: c.1100C>G, p.Ala367Gly (NM_000118.4, NM_001406715.1); c.554C>G, p.Ala185Gly (NM_001278138.2); c.1100C>G (NM_001114753.1); short protein forms A367G, A185G.
Identifiers: ClinVar variation 2158807 (VCV002158807.5), dbSNP rs199531650, ClinGen allele CA5252879.